The following is an entry in ClinVar:

ClinVar aggregate classification (germline): Uncertain significance (1 of 4 stars; one submission).

Conditions:
Dyskeratosis congenita, autosomal dominant 2. Identifiers: MedGen C3151443, MONDO:0013521, OMIM 613989.
Idiopathic Pulmonary Fibrosis. Also called: Idiopathic fibrosing alveolitis, chronic form; idiopathic fibrosing alveolitis. Identifiers: Orphanet 2032, MedGen C1800706, MeSH D054990, MONDO:0800504.

Submission:

Labcorp Genetics (formerly Invitae), Labcorp
Classification: Uncertain significance for Dyskeratosis congenita, autosomal dominant 2; Idiopathic Pulmonary Fibrosis. Last evaluated: 2022-03-16. Review status: criteria provided, single submitter. Criteria: Invitae Variant Classification Sherloc (09022015). Collection method: clinical testing. Allele origin: germline.
Comment: This sequence change replaces glycine, which is neutral and non-polar, with proline, which is neutral and non-polar, at codon 106 of the TERT protein (p.Gly106Pro). Information on the frequency of this variant in the gnomAD database is not available, as this variant may be reported differently in the database. This variant has not been reported in the literature in individuals affected with TERT-related conditions. ClinVar contains an entry for this variant (Variation ID: 661905). Algorithms developed to predict the effect of missense changes on protein structure and function are either unavailable or do not agree on the potential impact of this missense change (SIFT: "Not Available"; PolyPhen-2: "Probably Damaging"; Align-GVGD: "Not Available"). In summary, the available evidence is currently insufficient to determine the role of this variant in disease. Therefore, it has been classified as a Variant of Uncertain Significance.

NM_198253.3(TERT):c.316_317inv (p.Gly106Pro)

Gene: TERT (telomerase reverse transcriptase; minus strand). Cytogenetic location: 5p15.33.
Variant type: Inversion.
Coding change: c.316_317inv on transcript NM_198253.3 (MANE Select).
Protein change: p.Gly106Pro; replaces glycine 106 with proline.
Molecular consequence: missense variant. On other transcripts: non-coding transcript variant (2).
Genome position: GRCh38 VCF-style: chr5-1294569-CC-GG. GRCh37 (hg19) VCF-style: chr5-1294684-CC-GG.
Other names: c.316_317inv, p.Gly106Pro (NM_001193376.3); short protein forms G106P.
Identifiers: ClinVar variation 661905 (VCV000661905.6), ClinGen allele CA915943233.
Genomic context (GRCh38, chr5:1,294,569, plus strand): 5'-GTGTTGGGCAGGTAGCTGCGCACGCTGGTGGTGAAGGCCTCGGGGGGGCCCCCGCGGGCC[CC>GG]GTCCAGCAGCGCGAAGCCGAAGGCCAGCACGTTCTTCGCGCCGCGCTCGCACAGCCTCTG-3'
Protein context (NP_937983.2, residues 96-116): VLAFGFALLD[Gly106Pro]ARGGPPEAFT